The following is an entry in ClinVar:

NM_014000.3(VCL):c.1918C>G (p.Leu640Val)

Gene: VCL (vinculin; plus strand). Cytogenetic location: 10q22.2.
Variant type: single nucleotide variant.
Coding change: c.1918C>G on transcript NM_014000.3 (MANE Select); coding-DNA position 1918, C replaced by G.
Protein change: p.Leu640Val; replaces leucine 640 with valine.
Molecular consequence: missense variant.
Genome position (GRCh38, 1-based): chr10:74,100,993, C>G. VCF-style: chr10-74100993-C-G. GRCh37 (hg19) VCF-style: chr10-75860751-C-G.
Other names: c.1918C>G, p.Leu640Val (NM_003373.4); short protein forms L640V.
Identifiers: ClinVar variation 1011117 (VCV001011117.12), dbSNP rs886047219, ClinGen allele CA209706167.

ClinVar aggregate classification (germline): Uncertain significance. Review status: criteria provided, multiple submitters, no conflicts (2 of 4 stars). 3 submissions from 3 submitters: Uncertain significance (3). Last evaluated 2025-11-06.

Conditions:
VCL-related disorder. Also called: VCL-related condition.
Cardiovascular phenotype. Identifiers: MedGen CN230736.
Dilated cardiomyopathy 1W (CMD1W). Identifiers: Orphanet 154, MedGen C1969639, MONDO:0012667, OMIM 611407.

Allele frequency attached by ClinVar (database versions not stated): gnomAD exomes below 0.00001 and 0.00001; gnomAD 0.00001; TOPMed 0.00001.
gnomAD v4.1: 3 of 1,613,910 alleles (0.00019%); highest among the groups gnomAD compares: African/African-American, 0.0027%; no homozygotes.

Submissions (3):

Ambry Genetics
Classification: Uncertain significance for Cardiovascular phenotype. Last evaluated: 2025-11-06. Review status: criteria provided, single submitter. Criteria: Ambry Variant Classification Scheme 2023. Collection method: clinical testing. Allele origin: germline.
Comment: The p.L640V variant (also known as c.1918C>G), located in coding exon 14 of the VCL gene, results from a C to G substitution at nucleotide position 1918. The leucine at codon 640 is replaced by valine, an amino acid with highly similar properties. This amino acid position is highly conserved in available vertebrate species. In addition, the in silico prediction for this alteration is inconclusive. Based on the available evidence, the clinical significance of this variant remains unclear.

PreventionGenetics, part of Exact Sciences
Classification: Uncertain significance for VCL-related condition. Last evaluated: 2025-01-08. Review status: criteria provided, single submitter. Criteria: ACMG Guidelines, 2015. Collection method: clinical testing. Allele origin: germline.
Comment: The VCL c.1918C>G variant is predicted to result in the amino acid substitution p.Leu640Val. To our knowledge, this variant has not been reported in the literature. This variant is reported in 0.0062% of alleles in individuals of African descent in gnomAD. At this time, the clinical significance of this variant is uncertain due to the absence of conclusive functional and genetic evidence.

Labcorp Genetics (formerly Invitae), Labcorp
Classification: Uncertain significance for Dilated cardiomyopathy 1W. Last evaluated: 2024-06-13. Review status: criteria provided, single submitter. Criteria: Invitae Variant Classification Sherloc (09022015). Collection method: clinical testing. Allele origin: germline.
Comment: This sequence change replaces leucine, which is neutral and non-polar, with valine, which is neutral and non-polar, at codon 640 of the VCL protein (p.Leu640Val). This variant is present in population databases (no rsID available, gnomAD 0.007%). This variant has not been reported in the literature in individuals affected with VCL-related conditions. ClinVar contains an entry for this variant (Variation ID: 1011117). An algorithm developed to predict the effect of missense changes on protein structure and function (PolyPhen-2) suggests that this variant is likely to be disruptive. In summary, the available evidence is currently insufficient to determine the role of this variant in disease. Therefore, it has been classified as a Variant of Uncertain Significance.